The following is an entry in ClinVar:

NM_000288.4(PEX7):c.785C>T (p.Ser262Leu)

Gene: PEX7 (peroxisomal biogenesis factor 7; plus strand). Cytogenetic location: 6q23.3.
Variant type: single nucleotide variant.
Coding change: c.785C>T on transcript NM_000288.4 (MANE Select); coding-DNA position 785, C replaced by T.
Protein change: p.Ser262Leu; replaces serine 262 with leucine.
Molecular consequence: missense variant.
Genome position (GRCh38, 1-based): chr6:136,872,235, C>T. VCF-style: chr6-136872235-C-T. GRCh37 (hg19) VCF-style: chr6-137193373-C-T.
Other names: short protein forms S262L.
Identifiers: ClinVar variation 551503 (VCV000551503.4), dbSNP rs62653610, ClinGen allele CA4017758.

ClinVar aggregate classification (germline): Uncertain significance. Review status: criteria provided, multiple submitters, no conflicts (2 of 4 stars). 3 submissions from 3 submitters: Uncertain significance (2). 1 of the submissions does not count toward it. Last evaluated 2024-12-18.

Conditions:
Peroxisome biogenesis disorder 9B. Also called: PEX7-Related Refsum Disease; PEROXISOME BIOGENESIS DISORDER, PEX7-RELATED, ATYPICAL; Refsum disease, adult, 2. Identifiers: Orphanet 773, MedGen C2749346, MONDO:0013945, OMIM 614879.
Rhizomelic chondrodysplasia punctata type 1 (RCDP1). Also called: PEROXISOME BIOGENESIS DISORDER 9; PEX7-Related Rhizomelic Chondrodysplasia Punctata; CHONDRODYSTROPHIA CALCIFICANS PUNCTATA. Identifiers: Orphanet 177, Orphanet 309789, MedGen C1859133, MONDO:0008972, OMIM 215100. Disease mechanism: loss of function.

Allele frequency attached by ClinVar (database versions not stated): gnomAD 0.00001; gnomAD exomes 0.00001 and 0.00002; ExAC 0.00003.
gnomAD v4.1: 16 of 1,605,324 alleles (0.001%); highest among the groups gnomAD compares: Admixed American, 0.0034%; no homozygotes.

Submissions (3):

GeneDx
Classification: Uncertain significance. Last evaluated: 2024-12-18. Review status: criteria provided, single submitter. Criteria: GeneDx Variant Classification Process June 2021. Collection method: clinical testing. Allele origin: germline. Affected: yes.
Comment: Not observed at significant frequency in large population cohorts (gnomAD); Published functional studies suggest the variant is defective in PTS2-mediated peroxisomal targeting (PMID: 11781871); In silico analysis supports that this missense variant has a deleterious effect on protein structure/function; This variant is associated with the following publications: (PMID: 11781871)

Labcorp Genetics (formerly Invitae), Labcorp
Classification: Uncertain significance for Peroxisome biogenesis disorder 9B. Last evaluated: 2022-10-24. Review status: criteria provided, single submitter. Criteria: Invitae Variant Classification Sherloc (09022015). Collection method: clinical testing. Allele origin: germline.
Comment: This sequence change replaces serine, which is neutral and polar, with leucine, which is neutral and non-polar, at codon 262 of the PEX7 protein (p.Ser262Leu). This variant is present in population databases (rs62653610, gnomAD 0.006%). This missense change has been observed in individual(s) with rhizomelic chondrodysplasia punctata (PMID: 11781871). ClinVar contains an entry for this variant (Variation ID: 551503). Algorithms developed to predict the effect of missense changes on protein structure and function are either unavailable or do not agree on the potential impact of this missense change (SIFT: "Deleterious"; PolyPhen-2: "Probably Damaging"; Align-GVGD: "Class C0"). Algorithms developed to predict the effect of sequence changes on RNA splicing suggest that this variant may disrupt the consensus splice site. In summary, the available evidence is currently insufficient to determine the role of this variant in disease. Therefore, it has been classified as a Variant of Uncertain Significance.

Counsyl
Classification: Uncertain significance for Rhizomelic chondrodysplasia punctata type 1. Last evaluated: 2017-09-26. Review status: no assertion criteria provided. Collection method: clinical testing. Allele origin: unknown. Not counted in ClinVar's aggregate classification.

Literature cited by the submitters: PubMed 11781871 (cited by Labcorp Genetics (formerly Invitae), Labcorp and Counsyl).